The following is an entry in ClinVar:

ClinVar aggregate classification (germline): Uncertain significance. Review status: criteria provided, multiple submitters, no conflicts (2 of 4 stars). 3 submissions from 3 submitters: Uncertain significance (3). Last evaluated 2025-08-22.

Conditions:
Inborn genetic diseases. Identifiers: MedGen C0950123, MeSH D030342.

Allele frequency attached by ClinVar (database versions not stated): gnomAD 0.00001; TOPMed 0.00001; ExAC 0.00002; gnomAD exomes 0.00002 and 0.00005.
gnomAD v4.1: 25 of 1,608,148 alleles (0.0016%); highest among the groups gnomAD compares: Admixed American, 0.01%; no homozygotes.

Submissions (3):

Ambry Genetics
Classification: Uncertain significance for Inborn genetic diseases. Last evaluated: 2025-08-22. Review status: criteria provided, single submitter. Criteria: Ambry Variant Classification Scheme 2023. Collection method: clinical testing. Allele origin: germline.

Labcorp Genetics (formerly Invitae), Labcorp
Classification: Uncertain significance. Last evaluated: 2023-08-04. Review status: criteria provided, single submitter. Criteria: Invitae Variant Classification Sherloc (09022015). Collection method: clinical testing. Allele origin: germline.
Comment: This sequence change replaces arginine, which is basic and polar, with tryptophan, which is neutral and slightly polar, at codon 381 of the GPR179 protein (p.Arg381Trp). An algorithm developed to predict the effect of missense changes on protein structure and function (PolyPhen-2) suggests that this variant is likely to be disruptive. This variant is present in population databases (rs749683775, gnomAD 0.02%). This variant has not been reported in the literature in individuals affected with GPR179-related conditions. ClinVar contains an entry for this variant (Variation ID: 1470101). In summary, the available evidence is currently insufficient to determine the role of this variant in disease. Therefore, it has been classified as a Variant of Uncertain Significance.

Blueprint Genetics
Classification: Uncertain significance. Last evaluated: 2022-11-18. Review status: criteria provided, single submitter. Criteria: ACMG Guidelines, 2015. Collection method: clinical testing. Allele origin: germline.

NM_001004334.4(GPR179):c.1141C>T (p.Arg381Trp)

Gene: GPR179 (G protein-coupled receptor 179; minus strand). Cytogenetic location: 17q12.
Variant type: single nucleotide variant.
Coding change: c.1141C>T on transcript NM_001004334.4 (MANE Select); coding-DNA position 1141, C replaced by T.
Protein change: p.Arg381Trp; replaces arginine 381 with tryptophan.
Molecular consequence: missense variant.
Genome position (GRCh38, 1-based): chr17:38,337,064, G>A on the plus strand (C>T on the coding strand, the complement: GPR179 is on the minus strand). VCF-style: chr17-38337064-G-A. GRCh37 (hg19) VCF-style: chr17-36492947-G-A.
Other names: c.1141C>T (NM_001004334.2); short protein forms R381W.
Identifiers: ClinVar variation 1470101 (VCV001470101.10), dbSNP rs749683775, ClinGen allele CA290109355.